The following is an entry in ClinVar:

NM_000363.5(TNNI3):c.339C>T (p.Asp113=)

Gene: TNNI3 (troponin I3, cardiac type; minus strand). Cytogenetic location: 19q13.42.
Variant type: single nucleotide variant.
Coding change: c.339C>T on transcript NM_000363.5 (MANE Select); coding-DNA position 339, C replaced by T.
Protein change: p.Asp113=; no amino-acid change (aspartic acid 113 retained).
Molecular consequence: synonymous variant.
Genome position (GRCh38, 1-based): chr19:55,154,774, G>A on the plus strand (C>T on the coding strand, the complement: TNNI3 is on the minus strand). VCF-style: chr19-55154774-G-A. GRCh37 (hg19) VCF-style: chr19-55666142-G-A.
Identifiers: ClinVar variation 1730980 (VCV001730980.5), dbSNP rs786204400, ClinGen allele CA021509.

ClinVar aggregate classification (germline): Likely benign. Review status: criteria provided, multiple submitters, no conflicts (2 of 4 stars). 3 submissions from 3 submitters: Likely benign (3). Last evaluated 2025-06-20.

Conditions:
Cardiovascular phenotype. Identifiers: MedGen CN230736.
Hypertrophic cardiomyopathy. Also called: HYPERTROPHIC MYOCARDIOPATHY. Identifiers: Orphanet 217569, MedGen C0007194, MeSH D002312, MONDO:0005045, HP:0001639.

Allele frequency attached by ClinVar (database versions not stated): gnomAD 0.00001; gnomAD exomes 0.00001; TOPMed below 0.00001.

Submissions (3):

Labcorp Genetics (formerly Invitae), Labcorp
Classification: Likely benign for Hypertrophic cardiomyopathy. Last evaluated: 2025-06-20. Review status: criteria provided, single submitter. Criteria: Invitae Variant Classification Sherloc (09022015). Collection method: clinical testing. Allele origin: germline.

All of Us Research Program, National Institutes of Health
Classification: Likely benign for Hypertrophic cardiomyopathy. Last evaluated: 2024-08-13. Review status: criteria provided, single submitter. Criteria: ACMG Guidelines, 2015. Collection method: clinical testing. Allele origin: germline. Inheritance: Autosomal dominant inheritance. Observed: 1 variant allele, 1 heterozygote.
Comment: This study involves interpretation of variants in research participants for the purpose of population health screening. Participant phenotype was not available at the time of variant classification. Additional details can be found in publication PMID: 35346344, PMCID: PMC8962531

Ambry Genetics
Classification: Likely benign for Cardiovascular phenotype. Last evaluated: 2021-10-15. Review status: criteria provided, single submitter. Criteria: Ambry Variant Classification Scheme 2023. Collection method: clinical testing. Allele origin: germline.